The following is an entry in ClinVar:

NM_006206.6(PDGFRA):c.1420A>C (p.Thr474Pro)

Gene: PDGFRA (platelet derived growth factor receptor alpha; plus strand). Cytogenetic location: 4q12.
Variant type: single nucleotide variant.
Coding change: c.1420A>C on transcript NM_006206.6 (MANE Select); coding-DNA position 1420, A replaced by C.
Protein change: p.Thr474Pro; replaces threonine 474 with proline.
Molecular consequence: missense variant.
Genome position (GRCh38, 1-based): chr4:54,273,592, A>C. VCF-style: chr4-54273592-A-C. GRCh37 (hg19) VCF-style: chr4-55139759-A-C.
Other names: c.1420A>C, p.Thr474Pro (NM_001347827.2, NM_001347829.2); c.1495A>C, p.Thr499Pro (NM_001347828.2); c.1459A>C, p.Thr487Pro (NM_001347830.2); short protein forms T487P, T474P, T499P.
Identifiers: ClinVar variation 4665518 (VCV004665518.1).

ClinVar aggregate classification (germline): Uncertain significance (1 of 4 stars; one submission).

Conditions:
Hereditary cancer-predisposing syndrome. Also called: Neoplastic Syndromes, Hereditary; Tumor predisposition; Hereditary Cancer Syndrome; Hereditary neoplastic syndrome. Identifiers: Orphanet 140162, MedGen C0027672, MeSH D009386, MONDO:0015356.

Submission:

Ambry Genetics
Classification: Uncertain significance for Hereditary cancer-predisposing syndrome. Last evaluated: 2025-11-26. Review status: criteria provided, single submitter. Criteria: Ambry Variant Classification Scheme 2023. Collection method: clinical testing. Allele origin: germline.
Comment: The p.T474P variant (also known as c.1420A>C), located in coding exon 9 of the PDGFRA gene, results from an A to C substitution at nucleotide position 1420. The threonine at codon 474 is replaced by proline, an amino acid with highly similar properties. This amino acid position is conserved. In addition, this alteration is predicted to be tolerated by in silico analysis. Based on the available evidence, the clinical significance of this variant remains unclear.